The following is an entry in ClinVar:

ClinVar aggregate classification (germline): Uncertain significance. Review status: criteria provided, multiple submitters, no conflicts (2 of 4 stars). 2 submissions from 2 submitters: Uncertain significance (2). Last evaluated 2025-05-26.

Conditions:
Primary ciliary dyskinesia. Also called: Ciliary dyskinesia. Identifiers: Orphanet 244, MedGen C0008780, MONDO:0016575, HP:0012265.

Allele frequency attached by ClinVar (database versions not stated): TOPMed 0.00004; gnomAD 0.00005; gnomAD exomes 0.00007; ExAC 0.00008; ESP Exome Variant Server 0.00008.
gnomAD v4.1: 109 of 1,612,614 alleles (0.0068%); highest among the groups gnomAD compares: Non-Finnish European, 0.0081%; no homozygotes.

Submissions (2):

Ambry Genetics
Classification: Uncertain significance. Last evaluated: 2025-05-26. Review status: criteria provided, single submitter. Criteria: Ambry Variant Classification Scheme 2023. Collection method: clinical testing. Allele origin: germline.

Labcorp Genetics (formerly Invitae), Labcorp
Classification: Uncertain significance for Primary ciliary dyskinesia. Last evaluated: 2023-09-27. Review status: criteria provided, single submitter. Criteria: Invitae Variant Classification Sherloc (09022015). Collection method: clinical testing. Allele origin: germline.
Comment: In summary, the available evidence is currently insufficient to determine the role of this variant in disease. Therefore, it has been classified as a Variant of Uncertain Significance. Advanced modeling of protein sequence and biophysical properties (such as structural, functional, and spatial information, amino acid conservation, physicochemical variation, residue mobility, and thermodynamic stability) performed at Invitae indicates that this missense variant is expected to disrupt DNAH8 protein function. ClinVar contains an entry for this variant (Variation ID: 1018641). This variant has not been reported in the literature in individuals affected with DNAH8-related conditions. This variant is present in population databases (rs367599642, gnomAD 0.01%). This sequence change replaces threonine, which is neutral and polar, with serine, which is neutral and polar, at codon 4503 of the DNAH8 protein (p.Thr4503Ser).

NM_001206927.2(DNAH8):c.13507A>T (p.Thr4503Ser)

Gene: DNAH8 (dynein axonemal heavy chain 8; plus strand). Cytogenetic location: 6p21.2.
Variant type: single nucleotide variant.
Coding change: c.13507A>T on transcript NM_001206927.2 (MANE Select); coding-DNA position 13507, A replaced by T.
Protein change: p.Thr4503Ser; replaces threonine 4503 with serine.
Molecular consequence: missense variant.
Genome position (GRCh38, 1-based): chr6:39,012,350, A>T. VCF-style: chr6-39012350-A-T. GRCh37 (hg19) VCF-style: chr6-38980126-A-T.
Other names: c.12856A>T, p.Thr4286Ser (NM_001371.4); c.13507A>T (NM_001206927.1); short protein forms T4286S, T4503S.
Identifiers: ClinVar variation 1018641 (VCV001018641.9), dbSNP rs367599642, ClinGen allele CA3791683.